The following is an entry in ClinVar:

NM_054012.4(ASS1):c.688+1G>T

Gene: ASS1 (argininosuccinate synthase 1; plus strand). Cytogenetic location: 9q34.11.
Variant type: single nucleotide variant.
Coding change: c.688+1G>T on transcript NM_054012.4 (MANE Select); the canonical splice donor site of the intron after coding-DNA position 688, G replaced by T.
Molecular consequence: splice donor variant.
Genome position (GRCh38, 1-based): chr9:130,476,962, G>T. VCF-style: chr9-130476962-G-T. GRCh37 (hg19) VCF-style: chr9-133352349-G-T.
Other names: c.688+1G>T (NM_000050.4).
Identifiers: ClinVar variation 4818701 (VCV004818701.1).

ClinVar aggregate classification (germline): Likely pathogenic (1 of 4 stars; one submission).

Conditions:
Citrullinemia type I (CTNL1). Also called: ASS DEFICIENCY; argininosuccinate synthetase deficiency. Identifiers: Orphanet 247525, MedGen C4721769, MONDO:0008988, OMIM 215700.

Submission:

Natera, Inc.
Classification: Likely pathogenic for Citrullinemia type I. Last evaluated: 2025-09-29. Review status: criteria provided, single submitter. Criteria: Natera Variant Classification Schema (03/2026). Collection method: clinical testing. Allele origin: germline.
Comment: The c.688+1G>T variant in ASS1 is a canonical splice donor site variant predicted to affect pre-mRNA splicing, which may result in an abnormal transcript and altered protein product. This variant is expected to result in nonsense mediated decay, truncation, or a dysfunctional protein product. This variant is rare in the general population with a frequency below the threshold expected for the associated phenotype(s). Given the available evidence, this variant is classified as Likely Pathogenic.